The following is an entry in ClinVar:

NM_022168.4(IFIH1):c.797G>C (p.Ser266Thr)

Gene: IFIH1 (interferon induced with helicase C domain 1; minus strand). Cytogenetic location: 2q24.2.
Variant type: single nucleotide variant.
Coding change: c.797G>C on transcript NM_022168.4 (MANE Select); coding-DNA position 797, G replaced by C.
Protein change: p.Ser266Thr; replaces serine 266 with threonine.
Molecular consequence: missense variant.
Genome position (GRCh38, 1-based): chr2:162,293,641, C>G on the plus strand (G>C on the coding strand, the complement: IFIH1 is on the minus strand). VCF-style: chr2-162293641-C-G. GRCh37 (hg19) VCF-style: chr2-163150151-C-G.
Other names: short protein forms S266T.
Identifiers: ClinVar variation 2934779 (VCV002934779.3), dbSNP rs768670882, ClinGen allele CA1934700.

ClinVar aggregate classification (germline): Uncertain significance (1 of 4 stars; one submission).

Conditions:
Aicardi-Goutieres syndrome 7 (AGS7). Identifiers: Orphanet 51, MedGen C3888244, MONDO:0014367, OMIM 615846.
Singleton-Merten syndrome 1 (SGMRT1). Also called: Widened medullary cavities of bone, aortic calcification, abnormal dentition, and muscular weakness; Syndrome of widened medullary cavities of the metacarpals and phalanges, aortic calcification and abnormal dentition. Identifiers: Orphanet 85191, MedGen C4225427, MONDO:0024535, OMIM 182250.

Allele frequency attached by ClinVar (database versions not stated): gnomAD 0.00001; ExAC 0.00001.
gnomAD v4.1: 6 of 1,610,718 alleles (0.00037%); highest among the groups gnomAD compares: Non-Finnish European, 0.00051%; no homozygotes.

Submission:

Labcorp Genetics (formerly Invitae), Labcorp
Classification: Uncertain significance for Aicardi-Goutieres syndrome 7; Singleton-Merten syndrome 1. Last evaluated: 2023-07-13. Review status: criteria provided, single submitter. Criteria: Invitae Variant Classification Sherloc (09022015). Collection method: clinical testing. Allele origin: germline.
Comment: This variant is present in population databases (rs768670882, gnomAD 0.002%). This sequence change replaces serine, which is neutral and polar, with threonine, which is neutral and polar, at codon 266 of the IFIH1 protein (p.Ser266Thr). This variant has not been reported in the literature in individuals affected with IFIH1-related conditions. Advanced modeling of protein sequence and biophysical properties (such as structural, functional, and spatial information, amino acid conservation, physicochemical variation, residue mobility, and thermodynamic stability) has been performed at Invitae for this missense variant, however the output from this modeling did not meet the statistical confidence thresholds required to predict the impact of this variant on IFIH1 protein function. In summary, the available evidence is currently insufficient to determine the role of this variant in disease. Therefore, it has been classified as a Variant of Uncertain Significance.